The following is an entry in ClinVar:

NM_000038.6(APC):c.3028del (p.Ser1010fs)

Gene: APC (APC regulator of Wnt signaling pathway; plus strand). Cytogenetic location: 5q22.2.
Variant type: Deletion.
Coding change: c.3028del on transcript NM_000038.6 (MANE Select); coding-DNA position 3028, one base deleted (A; older notation c.3028delA).
Protein change: p.Ser1010fs; shifts the reading frame from serine 1010.
Molecular consequence: frameshift variant.
Genome position (GRCh38, 1-based): chr5:112,838,622, A deleted. VCF-style (leftmost placement, unchanged base first): chr5-112838621-TA-T. GRCh37 (hg19) VCF-style: chr5-112174318-TA-T.
Other names: c.3028del, p.Ser1010fs (NM_001127510.3, NM_001354895.2); c.2974del, p.Ser992fs (NM_001127511.3); c.3082del, p.Ser1028fs (NM_001354896.2); c.3058del, p.Ser1020fs (NM_001354897.2); c.2953del, p.Ser985fs (NM_001354898.2); c.2944del, p.Ser982fs (NM_001354899.2); c.2905del, p.Ser969fs (NM_001354900.2); c.2851del, p.Ser951fs (NM_001354901.2); and 5 more; short protein forms S1010fs, S727fs, S850fs, S884fs, S909fs, S969fs, S1028fs, S985fs.
Identifiers: ClinVar variation 433640 (VCV000433640.2), dbSNP rs1554084648, ClinGen allele CA645372783.
Genomic context (GRCh38, chr5:112,838,621, plus strand): 5'-TGATGAAAGTAAGTTTTGCAGTTATGGTCAATACCCAGCCGACCTAGCCCATAAAATACA[TA>T]GTGCAAATCATATGGATGATAATGATGGAGAACTAGATACACCAATAAATTATAGTCTTA-3'

ClinVar aggregate classification (germline): Pathogenic (0 of 4 stars; one submission).

Conditions:
Carcinoma of colon (CRC). Also called: Colon carcinoma; Colonic carcinoma. Identifiers: MedGen C0699790, MONDO:0002032.

Submission:

Department of Pathology and Laboratory Medicine, Sinai Health System
Classification: Pathogenic for Carcinoma of colon. Review status: no assertion criteria provided. Collection method: clinical testing. Allele origin: unknown. Affected: yes. Study: The Canadian Open Genetics Repository (COGR).
Comment: The p.Ser1010Valfsx12 variant has not been identified in the literature. This variant is predicted to cause a frameshift, which alters the protein's amino acid sequence beginning at codon 1010, leading to a premature stop codon 12 amino acids downstream, thus overall resulting in a truncated or absent APC protein. Loss of function of the APC gene is an established disease mechanism in familial adenomatous polyposis (FAP) syndrome. In summary, based on the above information, this variant is classified as pathogenic.